The following is an entry in ClinVar:

ClinVar aggregate classification (germline): Likely pathogenic. Review status: criteria provided, multiple submitters, no conflicts (2 of 4 stars). 2 submissions from 2 submitters: Likely pathogenic (2). Last evaluated 2025-08-17.

Conditions:
Epilepsy, childhood absence, susceptibility to, 1. Also called: Epilepsy, childhood absence 1. Identifiers: Orphanet 64280, MedGen C1838604, MONDO:0020759, OMIM 600131.
Epilepsy, childhood absence, susceptibility to, 5. Identifiers: Orphanet 64280, MedGen C2677087, MONDO:0012843, OMIM 612269.

Submissions (2):

Labcorp Genetics (formerly Invitae), Labcorp
Classification: Likely pathogenic for Epilepsy, childhood absence, susceptibility to, 5; Epilepsy, childhood absence, susceptibility to, 1. Last evaluated: 2025-08-17. Review status: criteria provided, single submitter. Criteria: Invitae Variant Classification Sherloc (09022015). Collection method: clinical testing. Allele origin: germline.
Comment: This sequence change replaces isoleucine, which is neutral and non-polar, with phenylalanine, which is neutral and non-polar, at codon 280 of the GABRB3 protein (p.Ile280Phe). This variant is not present in population databases (gnomAD no frequency). This missense change has been observed in individual(s) with developmental and epileptic encephalopathy (PMID: 35383156). In at least one individual the variant was observed to be de novo. ClinVar contains an entry for this variant (Variation ID: 372868). Invitae Evidence Modeling of protein sequence and biophysical properties (such as structural, functional, and spatial information, amino acid conservation, physicochemical variation, residue mobility, and thermodynamic stability) has been performed for this missense variant. However, the output from this modeling did not meet the statistical confidence thresholds required to predict the impact of this variant on GABRB3 protein function. Experimental studies have shown that this missense change affects GABRB3 function (PMID: 35383156, 37647766). In summary, the currently available evidence indicates that the variant is pathogenic, but additional data are needed to prove that conclusively. Therefore, this variant has been classified as Likely Pathogenic.

GeneDx
Classification: Likely pathogenic. Last evaluated: 2016-04-05. Review status: criteria provided, single submitter. Criteria: GeneDx Variant Classification (06012015). Collection method: clinical testing. Allele origin: germline. Affected: yes.
Comment: The I280F variant has not been published as a pathogenic variant, nor has it been reported as a benign variant to our knowledge. It was not observed in approximately 6,500 individuals of European and African American ancestry in the NHLBI Exome Sequencing Project, indicating it is not a common benign variant in these populations. This substitution alters a conserved position predicted to be within the second transmembrane domain of the GABRB3 protein. Additionally, in silico analysis predicts this variant is probably damaging to the protein structure/function. However, the I280F variant is a conservative amino acid substitution, which is not likely to impact secondary protein structure as these residues share similar properties. Therefore, based on the currently available information, it is unclear whether this variant is a pathogenic variant or a rare benign variant.

Literature cited by the submitters: PubMed 35383156 (cited by Labcorp Genetics (formerly Invitae), Labcorp); PubMed 37647766 (cited by Labcorp Genetics (formerly Invitae), Labcorp).

NM_000814.6(GABRB3):c.838A>T (p.Ile280Phe)

Gene: GABRB3 (gamma-aminobutyric acid type A receptor subunit beta3; minus strand). Cytogenetic location: 15q12.
Variant type: single nucleotide variant.
Coding change: c.838A>T on transcript NM_000814.6 (MANE Select); coding-DNA position 838, A replaced by T.
Protein change: p.Ile280Phe; replaces isoleucine 280 with phenylalanine.
Molecular consequence: missense variant.
Genome position (GRCh38, 1-based): chr15:26,561,174, T>A on the plus strand (A>T on the coding strand, the complement: GABRB3 is on the minus strand). VCF-style: chr15-26561174-T-A. GRCh37 (hg19) VCF-style: chr15-26806321-T-A.
Other names: c.583A>T, p.Ile195Phe (NM_001191320.2, NM_001278631.2); c.625A>T, p.Ile209Phe (NM_001191321.3); c.838A>T, p.Ile280Phe (NM_021912.5); short protein forms I280F, I209F, I195F.
Identifiers: ClinVar variation 372868 (VCV000372868.4), dbSNP rs1057518036, ClinGen allele CA16042907.